The following is an entry in ClinVar:

NM_001458.5(FLNC):c.7272C>T (p.Asn2424=)

Genes: FLNC (filamin C; plus strand), FLNC-AS1 (FLNC antisense RNA 1; minus strand). Cytogenetic location: 7q32.1.
Variant type: single nucleotide variant.
Coding change: c.7272C>T on transcript NM_001458.5 (MANE Select); coding-DNA position 7272, C replaced by T.
Protein change: p.Asn2424=; no amino-acid change (asparagine 2424 retained).
Molecular consequence: synonymous variant.
Genome position (GRCh38, 1-based): chr7:128,856,538, C>T. VCF-style: chr7-128856538-C-T. GRCh37 (hg19) VCF-style: chr7-128496592-C-T.
Other names: c.7173C>T, p.Asn2391= (NM_001127487.2).
Identifiers: ClinVar variation 1758020 (VCV001758020.2), dbSNP rs2536669518, ClinGen allele CA457589584.

ClinVar aggregate classification (germline): Uncertain significance (1 of 4 stars; one submission).

Conditions:
Cardiovascular phenotype. Identifiers: MedGen CN230736.

Submission:

Ambry Genetics
Classification: Uncertain significance for Cardiovascular phenotype. Last evaluated: 2022-03-07. Review status: criteria provided, single submitter. Criteria: Ambry Variant Classification Scheme 2023. Collection method: clinical testing. Allele origin: germline.
Comment: The c.7272C>T variant (also known as p.N2424N), located in coding exon 44 of the FLNC gene, results from a C to T substitution at nucleotide position 7272. This nucleotide substitution does not change the amino acid at codon 2424. This nucleotide position is not well conserved in available vertebrate species. In silico splice site analysis for this alteration is inconclusive. Since supporting evidence is limited at this time, the clinical significance of this alteration remains unclear.